The following is an entry in ClinVar:

ClinVar aggregate classification (germline): Likely pathogenic (1 of 4 stars; one submission).

Conditions:
Atypical hemolytic-uremic syndrome. Identifiers: Orphanet 2134, MedGen C2931788, MONDO:0016244.

Submission:

Genomenon, Inc
Classification: Likely pathogenic for Atypical hemolytic-uremic syndrome. Last evaluated: 2026-09-17. Review status: criteria provided, single submitter. Criteria: Genomenon Sequence Variant Interpretation Standards - Updated. Collection method: curation. Allele origin: germline. Affected: yes.
Comment: CFH p.Leu1189Pro (c.3566T>C) is a missense variant that changes the amino acid at codon 1189 from leucine to proline. This variant has been observed in at least one proband affected with atypical hemolytic-uremic syndrome (PMID: 34189567). Functional studies have been reported (PMID: 34189567). The presence of pathogenic/likely pathogenic missense variant(s) at the same amino acid position indicates that this residue is likely important for protein function. It is absent or not present at a significant frequency in gnomAD. In conclusion, we classify CFH p.Leu1189Pro (c.3566T>C) as a likely pathogenic variant.

Literature cited by the submitters: PubMed 34189567.

NM_000186.4(CFH):c.3566T>C (p.Leu1189Pro)

Gene: CFH (complement factor H; plus strand). Cytogenetic location: 1q31.3.
Variant type: single nucleotide variant.
Coding change: c.3566T>C on transcript NM_000186.4 (MANE Select); coding-DNA position 3566, T replaced by C.
Protein change: p.Leu1189Pro; replaces leucine 1189 with proline.
Molecular consequence: missense variant.
Genome position (GRCh38, 1-based): chr1:196,747,183, T>C. VCF-style: chr1-196747183-T-C. GRCh37 (hg19) VCF-style: chr1-196716313-T-C.
Other names: short protein forms L1189P.
Identifiers: ClinVar variation 4291615 (VCV004291615.2).
Genomic context (GRCh38, chr1:196,747,183, plus strand): 5'-TATCCCGAGAAATTATGGAAAATTATAACATAGCATTAAGGTGGACAGCCAAACAGAAGC[T>C]TTATTCGAGAACAGGTGAATCAGTTGAATTTGTGTGTAAACGGGGATATCGTCTTTCATC-3'
Protein context (NP_000177.2, residues 1179-1199): IALRWTAKQK[Leu1189Pro]YSRTGESVEF